The following is an entry in ClinVar:

ClinVar aggregate classification (germline): Uncertain significance (1 of 4 stars; one submission).

Submission:

Labcorp Genetics (formerly Invitae), Labcorp
Classification: Uncertain significance. Last evaluated: 2022-08-21. Review status: criteria provided, single submitter. Criteria: Invitae Variant Classification Sherloc (09022015). Collection method: clinical testing. Allele origin: germline.
Comment: In summary, the available evidence is currently insufficient to determine the role of this variant in disease. Therefore, it has been classified as a Variant of Uncertain Significance. Experimental studies and prediction algorithms are not available or were not evaluated, and the functional significance of this variant is currently unknown. This variant has not been reported in the literature in individuals affected with COL18A1-related conditions. This variant is not present in population databases (gnomAD no frequency). This sequence change replaces threonine, which is neutral and polar, with serine, which is neutral and polar, at codon 140 of the COL18A1 protein (p.Thr140Ser).

NM_001379500.1(COL18A1):c.418A>T (p.Thr140Ser)

Gene: COL18A1 (collagen type XVIII alpha 1 chain; plus strand). Cytogenetic location: 21q22.3.
Variant type: single nucleotide variant.
Coding change: c.418A>T on transcript NM_001379500.1 (MANE Select); coding-DNA position 418, A replaced by T.
Protein change: p.Thr140Ser; replaces threonine 140 with serine.
Molecular consequence: missense variant.
Genome position (GRCh38, 1-based): chr21:45,468,553, A>T. VCF-style: chr21-45468553-A-T. GRCh37 (hg19) VCF-style: chr21-46888467-A-T.
Other names: c.958A>T, p.Thr320Ser (NM_030582.4); c.1663A>T, p.Thr555Ser (NM_130444.3); short protein forms T140S, T320S, T555S.
Identifiers: ClinVar variation 1717484 (VCV001717484.5), dbSNP rs2517558778, ClinGen allele CA410512004.